The following is an entry in ClinVar:

ClinVar aggregate classification (germline): Uncertain significance (1 of 4 stars; one submission).

Conditions:
Myofibrillar myopathy 4. Also called: Zaspopathy (type). Identifiers: Orphanet 98912, MedGen C4721886, MONDO:0012277, OMIM 609452.

gnomAD v4.1: 1 of 1,614,146 alleles (0.000062%); highest among the groups gnomAD compares: Non-Finnish European, 0.000085%; no homozygotes.

Submission:

Labcorp Genetics (formerly Invitae), Labcorp
Classification: Uncertain significance for Myofibrillar myopathy 4. Last evaluated: 2023-04-12. Review status: criteria provided, single submitter. Criteria: Invitae Variant Classification Sherloc (09022015). Collection method: clinical testing. Allele origin: germline.
Comment: In summary, the available evidence is currently insufficient to determine the role of this variant in disease. Therefore, it has been classified as a Variant of Uncertain Significance. An algorithm developed to predict the effect of missense changes on protein structure and function (PolyPhen-2) suggests that this variant is likely to be tolerated. This variant has not been reported in the literature in individuals affected with LDB3-related conditions. This variant is not present in population databases (gnomAD no frequency). This sequence change replaces proline, which is neutral and non-polar, with leucine, which is neutral and non-polar, at codon 124 of the LDB3 protein (p.Pro124Leu).

NM_001368067.1(LDB3):c.371C>T (p.Pro124Leu)

Genes: LDB3 (LIM domain binding 3; plus strand), LOC110121486 (VISTA enhancer hs2143; plus strand). Cytogenetic location: 10q23.2.
Variant type: single nucleotide variant.
Coding change: c.371C>T on transcript NM_001368067.1 (MANE Plus Clinical); coding-DNA position 371, C replaced by T.
Protein change: p.Pro124Leu; replaces proline 124 with leucine.
Molecular consequence: missense variant. On other transcripts: intron variant (5).
Genome position (GRCh38, 1-based): chr10:86,687,095, C>T. VCF-style: chr10-86687095-C-T. GRCh37 (hg19) VCF-style: chr10-88446852-C-T.
Other names: c.371C>T, p.Pro124Leu (NM_001080114.2, NM_001080116.1, NM_001368066.1 and 1 more transcripts); c.716C>T, p.Pro239Leu (NM_001171610.2, NM_001171611.2); c.690-4801C>T (NM_001368064.1, NM_001368063.1, NM_007078.3 and 2 more transcripts); short protein forms P124L, P239L.
Identifiers: ClinVar variation 2786053 (VCV002786053.3), dbSNP rs2492639325, ClinGen allele CA377441409.